The following is an entry in ClinVar:

NM_004268.5(MED17):c.46G>T (p.Glu16Ter)

Gene: MED17 (mediator complex subunit 17; plus strand). Cytogenetic location: 11q21.
Variant type: single nucleotide variant.
Coding change: c.46G>T on transcript NM_004268.5 (MANE Select); coding-DNA position 46, G replaced by T.
Protein change: p.Glu16Ter; replaces glutamic acid 16 with a stop codon.
Molecular consequence: nonsense.
Genome position (GRCh38, 1-based): chr11:93,784,559, G>T. VCF-style: chr11-93784559-G-T. GRCh37 (hg19) VCF-style: chr11-93517725-G-T.
Other names: short protein forms E16*.
Identifiers: ClinVar variation 2818918 (VCV002818918.3), dbSNP rs954515859, ClinGen allele CA226520620.

ClinVar aggregate classification (germline): Pathogenic (1 of 4 stars; one submission).

Submission:

Labcorp Genetics (formerly Invitae), Labcorp
Classification: Pathogenic. Last evaluated: 2023-02-21. Review status: criteria provided, single submitter. Criteria: Invitae Variant Classification Sherloc (09022015). Collection method: clinical testing. Allele origin: germline.
Comment: For these reasons, this variant has been classified as Pathogenic. This variant has not been reported in the literature in individuals affected with MED17-related conditions. This variant is not present in population databases (gnomAD no frequency). This sequence change creates a premature translational stop signal (p.Glu16*) in the MED17 gene. It is expected to result in an absent or disrupted protein product. Loss-of-function variants in MED17 are known to be pathogenic (PMID: 20950787, 26004231, 30345598).

Literature cited by the submitters: PubMed 20950787; PubMed 26004231; PubMed 30345598.